The following is an entry in ClinVar:

ClinVar aggregate classification (germline): Uncertain significance. Review status: criteria provided, multiple submitters, no conflicts (2 of 4 stars). 4 submissions from 4 submitters: Uncertain significance (4). Last evaluated 2026-01-06.

Conditions:
EVC2-related disorder. Also called: EVC2-related condition.
Inborn genetic diseases. Identifiers: MedGen C0950123, MeSH D030342.
Ellis-van Creveld syndrome (EVC). Also called: Chondroectodermal dysplasia; MESOECTODERMAL DYSPLASIA. Identifiers: Orphanet 289, MedGen C0013903, MONDO:0009162, OMIM 225500.
Curry-Hall syndrome (WAD). Also called: WEYERS ACRODENTAL DYSOSTOSIS. Identifiers: Orphanet 952, MedGen C0457013, MONDO:0008673, OMIM 193530.

Allele frequency attached by ClinVar (database versions not stated): ExAC 0.00001; gnomAD 0.00003; TOPMed 0.00004; gnomAD exomes 0.00007.
gnomAD v4.1: 114 of 1,607,856 alleles (0.0071%); highest among the groups gnomAD compares: Non-Finnish European, 0.0088%; no homozygotes.

Submissions (4):

PreventionGenetics, part of Exact Sciences
Classification: Uncertain significance for EVC2-related condition. Last evaluated: 2026-01-06. Review status: criteria provided, single submitter. Criteria: ACMG Guidelines, 2015. Collection method: clinical testing. Allele origin: germline.
Comment: The EVC2 c.3086A>G variant is predicted to result in the amino acid substitution p.Glu1029Gly. To our knowledge, this variant has not been reported in the literature. This variant is reported in 0.0048% of alleles in individuals of European (Non-Finnish) descent in gnomAD. At this time, the clinical significance of this variant is uncertain due to the absence of conclusive functional and genetic evidence.

Ambry Genetics
Classification: Uncertain significance for Inborn genetic diseases. Last evaluated: 2025-06-19. Review status: criteria provided, single submitter. Criteria: Ambry Variant Classification Scheme 2023. Collection method: clinical testing. Allele origin: germline.

Labcorp Genetics (formerly Invitae), Labcorp
Classification: Uncertain significance for Curry-Hall syndrome; Ellis-van Creveld syndrome. Last evaluated: 2022-07-21. Review status: criteria provided, single submitter. Criteria: Invitae Variant Classification Sherloc (09022015). Collection method: clinical testing. Allele origin: germline.
Comment: This sequence change replaces glutamic acid, which is acidic and polar, with glycine, which is neutral and non-polar, at codon 1029 of the EVC2 protein (p.Glu1029Gly). This variant is present in population databases (rs779632519, gnomAD 0.005%). This variant has not been reported in the literature in individuals affected with EVC2-related conditions. Algorithms developed to predict the effect of missense changes on protein structure and function are either unavailable or do not agree on the potential impact of this missense change (SIFT: "Deleterious"; PolyPhen-2: "Probably Damaging"; Align-GVGD: "Class C0"). In summary, the available evidence is currently insufficient to determine the role of this variant in disease. Therefore, it has been classified as a Variant of Uncertain Significance.

Blueprint Genetics
Classification: Uncertain significance. Last evaluated: 2021-02-02. Review status: criteria provided, single submitter. Criteria: ACMG Guidelines, 2015. Collection method: clinical testing. Allele origin: germline.

NM_147127.5(EVC2):c.3086A>G (p.Glu1029Gly)

Gene: EVC2 (EvC ciliary complex subunit 2; minus strand). Cytogenetic location: 4p16.2.
Variant type: single nucleotide variant.
Coding change: c.3086A>G on transcript NM_147127.5 (MANE Select); coding-DNA position 3086, A replaced by G.
Protein change: p.Glu1029Gly; replaces glutamic acid 1029 with glycine.
Molecular consequence: missense variant.
Genome position (GRCh38, 1-based): chr4:5,576,426, T>C on the plus strand (A>G on the coding strand, the complement: EVC2 is on the minus strand). VCF-style: chr4-5576426-T-C. GRCh37 (hg19) VCF-style: chr4-5578153-T-C.
Other names: c.3086A>G (NM_147127.4); c.2846A>G, p.Glu949Gly (NM_001166136.2); short protein forms E1029G, E949G.
Identifiers: ClinVar variation 2046708 (VCV002046708.4), dbSNP rs779632519, ClinGen allele CA2834450.
Genomic context (GRCh38, chr4:5,576,426, plus strand): 5'-TGCTGCCAGCTCGCCAGGGCCTGCTGCTGCTGGGCTGCCTCCTGCTGCACCAGCTGGTCC[T>C]CCAGCTTCCTCTCCAACTCCTGGAGCTCCTACACAAGGAAGGGGCAGAGGGTAAGCACCA-3'
Protein context (NP_667338.3, residues 1019-1039): RELQELERKL[Glu1029Gly]DQLVQQEAAQ